The following is an entry in ClinVar:

ClinVar aggregate classification (germline): Likely benign. Review status: criteria provided, single submitter (1 of 4 stars). 2 submissions from 2 submitters: Likely benign (1). 1 of the submissions does not count toward it. Last evaluated 2024-05-12.

Conditions:
TECTA-related disorder. Also called: TECTA-related condition.

Allele frequency attached by ClinVar (database versions not stated): gnomAD exomes below 0.00001; TOPMed below 0.00001; ExAC 0.00001.
gnomAD v4.1: 3 of 1,613,866 alleles (0.00019%); highest among the groups gnomAD compares: Non-Finnish European, 0.00025%; no homozygotes.

Submissions (2):

Labcorp Genetics (formerly Invitae), Labcorp
Classification: Likely benign. Last evaluated: 2024-05-12. Review status: criteria provided, single submitter. Criteria: Invitae Variant Classification Sherloc (09022015). Collection method: clinical testing. Allele origin: germline.

PreventionGenetics, part of Exact Sciences
Classification: Likely benign for TECTA-related condition. Last evaluated: 2020-12-14. Review status: no assertion criteria provided. Collection method: clinical testing. Allele origin: germline. Not counted in ClinVar's aggregate classification.
Comment: This variant is classified as likely benign based on ACMG/AMP sequence variant interpretation guidelines (Richards et al. 2015 PMID: 25741868, with internal and published modifications).

NM_005422.4(TECTA):c.5583G>A (p.Val1861=)

Genes: TBCEL-TECTA (TBCEL-TECTA readthrough; plus strand), TECTA (tectorin alpha; plus strand). Cytogenetic location: 11q23.3.
Variant type: single nucleotide variant.
Coding change: c.5583G>A on transcript NM_005422.4 (MANE Select); coding-DNA position 5583, G replaced by A.
Protein change: p.Val1861=; no amino-acid change (valine 1861 retained).
Molecular consequence: synonymous variant.
Genome position (GRCh38, 1-based): chr11:121,166,777, G>A. VCF-style: chr11-121166777-G-A. GRCh37 (hg19) VCF-style: chr11-121037486-G-A.
Other names: c.6525G>A, p.Val2175= (NM_001378761.1).
Identifiers: ClinVar variation 3030904 (VCV003030904.4), dbSNP rs753786546, ClinGen allele CA6327750.